The following is an entry in ClinVar:

ClinVar aggregate classification (germline): Uncertain significance (1 of 4 stars; one submission).

Conditions:
Arrhythmogenic cardiomyopathy with wooly hair and keratoderma. Also called: PALMOPLANTAR KERATODERMA WITH LEFT VENTRICULAR CARDIOMYOPATHY AND WOOLLY HAIR; Carvajal syndrome; Dilated cardiomyopathy with woolly hair and keratoderma; Arrhythmogenic cardiomyopathy with woolly hair and keratoderma. Identifiers: Orphanet 65282, MedGen C1854063, MONDO:0011581, OMIM 605676.

gnomAD v4.1: 2 of 1,607,014 alleles (0.00012%); highest among the groups gnomAD compares: Non-Finnish European, 0.00017%; no homozygotes.

Submission:

All of Us Research Program, National Institutes of Health
Classification: Uncertain significance for Arrhythmogenic cardiomyopathy with wooly hair and keratoderma. Last evaluated: 2023-11-20. Review status: criteria provided, single submitter. Criteria: ACMG Guidelines, 2015. Collection method: clinical testing. Allele origin: germline. Inheritance: Autosomal dominant inheritance. Observed: 1 variant allele, 1 heterozygote.
Comment: This missense variant replaces isoleucine with methionine at codon 18 of the DSP protein. Computational prediction suggests that this variant may not impact protein structure and function (internally defined REVEL score threshold <= 0.5, PMID: 27666373). To our knowledge, functional studies have not been reported for this variant. This variant has not been reported in individuals affected with DSP-related disorders in the literature. This variant has not been identified in the general population by the Genome Aggregation Database (gnomAD). The available evidence is insufficient to determine the role of this variant in disease conclusively. Therefore, this variant is classified as a Variant of Uncertain Significance.

This study involves interpretation of variants in research participants for the purpose of population health screening. Participant phenotype was not available at the time of variant classification. Additional details can be found in publication PMID: 35346344, PMCID: PMC8962531

NM_004415.4(DSP):c.54C>G (p.Ile18Met)

Genes: DSP (desmoplakin; plus strand), DSP-AS1 (DSP antisense RNA 1; minus strand). Cytogenetic location: 6p24.3.
Variant type: single nucleotide variant.
Coding change: c.54C>G on transcript NM_004415.4 (MANE Select); coding-DNA position 54, C replaced by G.
Protein change: p.Ile18Met; replaces isoleucine 18 with methionine.
Molecular consequence: missense variant.
Genome position (GRCh38, 1-based): chr6:7,541,969, C>G. VCF-style: chr6-7541969-C-G. GRCh37 (hg19) VCF-style: chr6-7542202-C-G.
Other names: c.54C>G, p.Ile18Met (NM_001008844.3, NM_001319034.2, NM_001406591.1); short protein forms I18M.
Identifiers: ClinVar variation 3074652 (VCV003074652.1), dbSNP rs1757992278, ClinGen allele CA362675604.